The following is an entry in ClinVar:

ClinVar aggregate classification (germline): Pathogenic (1 of 4 stars; one submission).

Conditions:
Autosomal recessive limb-girdle muscular dystrophy type 2A (LGMDR1). Also called: Limb-girdle muscular dystrophy, type 2A; LEYDEN-MOEBIUS MUSCULAR DYSTROPHY; MUSCULAR DYSTROPHY, PELVOFEMORAL; Calpainopathy; Muscular dystrophy, limb-girdle, type 2A, Amish. Identifiers: Orphanet 267, MedGen C1869123, MONDO:0009675, OMIM 253600. Disease mechanism: loss of function.

Submission:

Labcorp Genetics (formerly Invitae), Labcorp
Classification: Pathogenic for Autosomal recessive limb-girdle muscular dystrophy type 2A. Last evaluated: 2021-12-12. Review status: criteria provided, single submitter. Criteria: Invitae Variant Classification Sherloc (09022015). Collection method: clinical testing. Allele origin: germline.
Comment: For these reasons, this variant has been classified as Pathogenic. Algorithms developed to predict the effect of sequence changes on RNA splicing suggest that this variant may disrupt the consensus splice site. Disruption of this splice site has been observed in individual(s) with clinical features of autosomal recessive limb-girdle muscular dystrophy (PMID: 16141003; Invitae). In at least one individual the data is consistent with being in trans (on the opposite chromosome) from a pathogenic variant. This variant is not present in population databases (gnomAD no frequency). This sequence change affects a donor splice site in intron 3 of the CAPN3 gene. It is expected to disrupt RNA splicing. Variants that disrupt the donor or acceptor splice site typically lead to a loss of protein function (PMID: 16199547), and loss-of-function variants in CAPN3 are known to be pathogenic (PMID: 10330340, 15689361).

Literature cited by the submitters: PubMed 16141003; PubMed 16199547; PubMed 10330340; PubMed 15689361.

NM_000070.3(CAPN3):c.498+1G>A

Genes: CAPN3 (calpain 3; plus strand), LOC126862115 (BRD4-independent group 4 enhancer GRCh37_chr15:42677734-42678933; plus strand). Cytogenetic location: 15q15.1.
Variant type: single nucleotide variant.
Coding change: c.498+1G>A on transcript NM_000070.3 (MANE Select); the canonical splice donor site of the intron after coding-DNA position 498, G replaced by A.
Molecular consequence: splice donor variant.
Genome position (GRCh38, 1-based): chr15:42,386,286, G>A. VCF-style: chr15-42386286-G-A. GRCh37 (hg19) VCF-style: chr15-42678484-G-A.
Other names: c.498+1G>A (NM_024344.2, NM_173087.2).
Identifiers: ClinVar variation 1458711 (VCV001458711.6), dbSNP rs2141160881, ClinGen allele CA391997725.